The following is an entry in ClinVar:

NM_000135.4(FANCA):c.2602-1G>T

Genes: FANCA (FA complementation group A; minus strand), LOC130059837 (ATAC-STARR-seq lymphoblastoid active region 11420; plus strand). Cytogenetic location: 16q24.3.
Variant type: single nucleotide variant.
Coding change: c.2602-1G>T on transcript NM_000135.4 (MANE Select); the canonical splice acceptor site of the intron before coding-DNA position 2602, G replaced by T.
Molecular consequence: splice acceptor variant.
Genome position (GRCh38, 1-based): chr16:89,765,067, C>A on the plus strand (G>T on the coding strand, the complement: FANCA is on the minus strand). VCF-style: chr16-89765067-C-A. GRCh37 (hg19) VCF-style: chr16-89831475-C-A.
Other names: c.2602-1G>T (NM_001286167.3).
Identifiers: ClinVar variation 1202738 (VCV001202738.6), dbSNP rs747823528, ClinGen allele CA397438949.

ClinVar aggregate classification (germline): Pathogenic/Likely pathogenic. Review status: criteria provided, multiple submitters, no conflicts (2 of 4 stars). 2 submissions from 2 submitters: Pathogenic (1); Likely pathogenic (1). Last evaluated 2023-01-17.

Conditions:
Fanconi anemia (FA). Also called: Fanconi's anemia. Identifiers: Orphanet 84, MedGen C0015625, MeSH D005199, MONDO:0019391.

Submissions (2):

Labcorp Genetics (formerly Invitae), Labcorp
Classification: Pathogenic for Fanconi anemia. Last evaluated: 2023-01-17. Review status: criteria provided, single submitter. Criteria: Invitae Variant Classification Sherloc (09022015). Collection method: clinical testing. Allele origin: germline.
Comment: For these reasons, this variant has been classified as Pathogenic. Algorithms developed to predict the effect of sequence changes on RNA splicing suggest that this variant may disrupt the consensus splice site. ClinVar contains an entry for this variant (Variation ID: 1202738). Disruption of this splice site has been observed in individuals with Fanconi anemia (PMID: 10090479, 28102861). This variant is not present in population databases (gnomAD no frequency). This sequence change affects an acceptor splice site in intron 27 of the FANCA gene. It is expected to disrupt RNA splicing. Variants that disrupt the donor or acceptor splice site typically lead to a loss of protein function (PMID: 16199547), and loss-of-function variants in FANCA are known to be pathogenic (PMID: 19367192).

GeneDx
Classification: Likely pathogenic. Last evaluated: 2020-03-03. Review status: criteria provided, single submitter. Criteria: GeneDx Variant Classification Process June 2021. Collection method: clinical testing. Allele origin: germline. Affected: yes.
Comment: Not observed in large population cohorts (Lek et al., 2016); In silico analysis supports a deleterious effect on splicing; Has not been previously published as pathogenic or benign to our knowledge

Literature cited by the submitters: PubMed 10090479 (cited by Labcorp Genetics (formerly Invitae), Labcorp); PubMed 28102861 (cited by Labcorp Genetics (formerly Invitae), Labcorp); PubMed 16199547 (cited by Labcorp Genetics (formerly Invitae), Labcorp); PubMed 19367192 (cited by Labcorp Genetics (formerly Invitae), Labcorp).